The following is an entry in ClinVar:

NM_177438.3(DICER1):c.1803T>G (p.Ile601Met)

Gene: DICER1 (dicer 1, ribonuclease III; minus strand). Cytogenetic location: 14q32.13.
Variant type: single nucleotide variant.
Coding change: c.1803T>G on transcript NM_177438.3 (MANE Select); coding-DNA position 1803, T replaced by G.
Protein change: p.Ile601Met; replaces isoleucine 601 with methionine.
Molecular consequence: missense variant.
Genome position (GRCh38, 1-based): chr14:95,115,771, A>C on the plus strand (T>G on the coding strand, the complement: DICER1 is on the minus strand). VCF-style: chr14-95115771-A-C. GRCh37 (hg19) VCF-style: chr14-95582108-A-C.
Other names: c.1803T>G, p.Ile601Met (NM_001195573.1, NM_001271282.3, NM_001291628.2 and 1 more transcripts); short protein forms I601M.
Identifiers: ClinVar variation 567555 (VCV000567555.10), dbSNP rs1060504962, ClinGen allele CA390884099.

ClinVar aggregate classification (germline): Uncertain significance (1 of 4 stars; one submission).

Conditions:
DICER1-related tumor predisposition. Also called: DICER1-related pleuropulmonary blastoma cancer predisposition syndrome; DICER1 syndrome. Identifiers: Orphanet 284343, MedGen C3839822, MONDO:0100216.

Submission:

Labcorp Genetics (formerly Invitae), Labcorp
Classification: Uncertain significance for DICER1-related tumor predisposition. Last evaluated: 2018-05-30. Review status: criteria provided, single submitter. Criteria: Invitae Variant Classification Sherloc (09022015). Collection method: clinical testing. Allele origin: germline.
Comment: This sequence change replaces isoleucine with methionine at codon 601 of the DICER1 protein (p.Ile601Met). The isoleucine residue is weakly conserved and there is a small physicochemical difference between isoleucine and methionine. In summary, the available evidence is currently insufficient to determine the role of this variant in disease. Therefore, it has been classified as a Variant of Uncertain Significance. Algorithms developed to predict the effect of missense changes on protein structure and function (SIFT, PolyPhen-2, Align-GVGD) all suggest that this variant is likely to be tolerated, but these predictions have not been confirmed by published functional studies and their clinical significance is uncertain. This variant has not been reported in the literature in individuals with DICER1-related disease. This variant is not present in population databases (ExAC no frequency).